The following is an entry in ClinVar:

NM_000398.7(CYB5R3):c.903C>T (p.Phe301=)

Gene: CYB5R3 (cytochrome b5 reductase 3; minus strand). Cytogenetic location: 22q13.2.
Variant type: single nucleotide variant.
Coding change: c.903C>T on transcript NM_000398.7 (MANE Select); coding-DNA position 903, C replaced by T.
Protein change: p.Phe301=; no amino-acid change (phenylalanine 301 retained).
Molecular consequence: synonymous variant.
Genome position (GRCh38, 1-based): chr22:42,619,776, G>A on the plus strand (C>T on the coding strand, the complement: CYB5R3 is on the minus strand). VCF-style: chr22-42619776-G-A. GRCh37 (hg19) VCF-style: chr22-43015782-G-A.
Other names: c.834C>T, p.Phe278= (NM_001129819.2, NM_001171661.1, NM_007326.4); c.1002C>T, p.Phe334= (NM_001171660.2).
Identifiers: ClinVar variation 1330967 (VCV001330967.35), dbSNP rs150607528, ClinGen allele CA10269553.

ClinVar aggregate classification (germline): Likely benign. Review status: criteria provided, multiple submitters, no conflicts (2 of 4 stars). 3 submissions from 3 submitters: Likely benign (3). Last evaluated 2023-03-01.

Allele frequency attached by ClinVar (database versions not stated): gnomAD 0.00006 and 0.00007; TOPMed 0.00006; gnomAD exomes 0.00008; ESP Exome Variant Server 0.00015; ExAC 0.00025.
gnomAD v4.1: 126 of 1,579,408 alleles (0.008%); highest among the groups gnomAD compares: Non-Finnish European, 0.01%; no homozygotes.

Submissions (3):

CeGaT Center for Human Genetics Tuebingen
Classification: Likely benign. Last evaluated: 2023-03-01. Review status: criteria provided, single submitter. Criteria: CeGaT Center For Human Genetics Tuebingen Variant Classification Criteria Version 2. Collection method: clinical testing. Allele origin: germline. Affected: yes. Observed: 1 variant allele.
Comment: CYB5R3: BP4, BP7

Labcorp Genetics (formerly Invitae), Labcorp
Classification: Likely benign. Last evaluated: 2022-08-27. Review status: criteria provided, single submitter. Criteria: Invitae Variant Classification Sherloc (09022015). Collection method: clinical testing. Allele origin: germline.

ARUP Laboratories, Molecular Genetics and Genomics, ARUP Laboratories
Classification: Likely benign. Last evaluated: 2021-02-03. Review status: criteria provided, single submitter. Criteria: ARUP Molecular Germline Variant Investigation Process 2021. Collection method: clinical testing. Allele origin: germline.